The following is an entry in ClinVar:

ClinVar aggregate classification (germline): Uncertain significance (1 of 4 stars; one submission).

Conditions:
Hereditary cancer-predisposing syndrome. Also called: Hereditary Cancer Syndrome; Tumor predisposition; Hereditary neoplastic syndrome; Neoplastic Syndromes, Hereditary. Identifiers: Orphanet 140162, MedGen C0027672, MeSH D009386, MONDO:0015356.
Cardiovascular phenotype. Identifiers: MedGen CN230736.

Submission:

Ambry Genetics
Classification: Uncertain significance for Cardiovascular phenotype; Hereditary cancer-predisposing syndrome. Last evaluated: 2024-07-03. Review status: criteria provided, single submitter. Criteria: Ambry Variant Classification Scheme 2023. Collection method: clinical testing. Allele origin: germline.
Comment: The p.K1750Q variant (also known as c.5248A>C), located in coding exon 37 of the NF1 gene, results from an A to C substitution at nucleotide position 5248. The lysine at codon 1750 is replaced by glutamine, an amino acid with similar properties. This amino acid position is not well conserved in available vertebrate species. In addition, this alteration is predicted to be tolerated by in silico analysis. Based on the available evidence, the clinical significance of this variant remains unclear.

NM_001042492.3(NF1):c.5311A>C (p.Lys1771Gln)

Gene: NF1 (neurofibromin 1; plus strand). Cytogenetic location: 17q11.2.
Variant type: single nucleotide variant.
Coding change: c.5311A>C on transcript NM_001042492.3 (MANE Select); coding-DNA position 5311, A replaced by C.
Protein change: p.Lys1771Gln; replaces lysine 1771 with glutamine.
Molecular consequence: missense variant.
Genome position (GRCh38, 1-based): chr17:31,327,541, A>C. VCF-style: chr17-31327541-A-C. GRCh37 (hg19) VCF-style: chr17-29654559-A-C.
Other names: c.5248A>C, p.Lys1750Gln (NM_000267.4); short protein forms K1750Q, K1771Q.
Identifiers: ClinVar variation 3404637 (VCV003404637.1).